The following is an entry in ClinVar:

NM_000350.3(ABCA4):c.-92C>T

Gene: ABCA4 (ATP binding cassette subfamily A member 4; minus strand). Cytogenetic location: 1p22.1.
Variant type: single nucleotide variant.
Coding change: c.-92C>T on transcript NM_000350.3 (MANE Select); 92 bases upstream of the start codon, C replaced by T.
Molecular consequence: 5 prime UTR variant.
Genome position (GRCh38, 1-based): chr1:94,121,137, G>A on the plus strand (C>T on the coding strand, the complement: ABCA4 is on the minus strand). VCF-style: chr1-94121137-G-A. GRCh37 (hg19) VCF-style: chr1-94586693-G-A.
Other names: c.-92C>T (NM_001425324.1).
Identifiers: ClinVar variation 298269 (VCV000298269.7), dbSNP rs200102393, ClinGen allele CA10611728.

ClinVar aggregate classification (germline): Benign/Likely benign. Review status: criteria provided, multiple submitters, no conflicts (2 of 4 stars). 2 submissions from 2 submitters: Benign (1); Likely benign (1). Last evaluated 2018-02-13.

Conditions:
ABCA4-related disorder. Also called: ABCA4-related disorders; ABCA4-related condition. Identifiers: MedGen CN239167.

Allele frequency attached by ClinVar (database versions not stated): 1000 Genomes Project 0.00100; 1000 Genomes Project 30x 0.00109; gnomAD 0.00156 and 0.00161; TOPMed 0.00161.
gnomAD v4.1: 2,336 of 1,140,828 alleles (0.2%); highest among the groups gnomAD compares: Non-Finnish European, 0.23%; 2 homozygotes.

Submissions (2):

Illumina Laboratory Services, Illumina
Classification: Likely benign for ABCA4-Related Disorders. Last evaluated: 2018-02-13. Review status: criteria provided, single submitter. Criteria: ICSL Variant Classification Criteria 13 December 2019. Collection method: clinical testing. Allele origin: germline.
Comment: This variant was observed as part of a predisposition screen in an ostensibly healthy population. A literature search was performed for the gene, cDNA change, and amino acid change (where applicable). No publications were found based on this search. Allele frequency data from public databases allowed determination this variant is unlikely to cause disease. Therefore, this variant is classified as likely benign.

GeneDx
Classification: Benign. Last evaluated: 2015-03-03. Review status: criteria provided, single submitter. Criteria: GeneDx Variant Classification Process June 2021. Collection method: clinical testing. Allele origin: germline. Affected: yes.